The following is an entry in ClinVar:

ClinVar aggregate classification (germline): Pathogenic (1 of 4 stars; one submission).

Conditions:
Inborn genetic diseases. Identifiers: MedGen C0950123, MeSH D030342.

Submission:

Ambry Genetics
Classification: Pathogenic for Inborn genetic diseases. Last evaluated: 2026-02-13. Review status: criteria provided, single submitter. Criteria: Ambry Variant Classification Scheme 2023. Collection method: clinical testing. Allele origin: germline.
Comment: The c.1033delG (p.V345Sfs*12) alteration, located in exon 4 (coding exon 3) of the SOX10 gene, consists of a deletion of one nucleotide at position 1033, causing a translational frameshift with a predicted alternate stop codon after 12 amino acids. This variant is not expected to trigger nonsense-mediated mRNA decay, and impacts the last 26% of the protein. However, premature stop codons are typically deleterious in nature, the impacted region is critical for protein function, and a significant portion of the protein is affected (Ambry internal data). This variant was not reported in population-based cohorts in the Genome Aggregation Database (gnomAD). Based on the available evidence, this alteration is classified as pathogenic.

NM_006941.4(SOX10):c.1033del (p.Val345fs)

Genes: POLR2F (RNA polymerase II, I and III subunit F; plus strand), SOX10 (SRY-box transcription factor 10; minus strand). Cytogenetic location: 22q13.1.
Variant type: Deletion.
Coding change: c.1033del on transcript NM_006941.4 (MANE Select); coding-DNA position 1033, one base deleted (G; older notation c.1033delG).
Protein change: p.Val345fs; shifts the reading frame from valine 345.
Molecular consequence: frameshift variant. On other transcripts: intron variant (3).
Genome position (GRCh38, 1-based): chr22:37,973,863, C deleted on the plus strand (G on the coding strand, the reverse complement: SOX10 is on the minus strand); the first of 2 consecutive C bases (chr22:37,973,863-37,973,864); deleting either gives the same sequence. VCF-style (leftmost placement, unchanged base first): chr22-37973862-AC-A. GRCh37 (hg19) VCF-style: chr22-38369869-AC-A.
Other names: c.*38+1554del (NM_001363825.1); c.293+6694del (NM_001301130.2, NM_001301131.2); c.1033delG (NM_006941.3); short protein forms V345fs.
Identifiers: ClinVar variation 4839458 (VCV004839458.1).